The following is an entry in ClinVar:

ClinVar aggregate classification (germline): Uncertain significance (1 of 4 stars; one submission).

Conditions:
Combined immunodeficiency due to CD3gamma deficiency. Also called: CD3-GAMMA DEFICIENCY; SCID-LIKE IMMUNODEFICIENCY, T CELL-PARTIAL, B CELL-POSITIVE, NK CELL-POSITIVE; Immunodeficiency 17, CD3 gamma deficient; Immunodeficiency 17. Identifiers: Orphanet 169082, MedGen C3810107, MONDO:0014276, OMIM 615607.

Submission:

Labcorp Genetics (formerly Invitae), Labcorp
Classification: Uncertain significance for Combined immunodeficiency due to CD3gamma deficiency. Last evaluated: 2021-06-18. Review status: criteria provided, single submitter. Criteria: Invitae Variant Classification Sherloc (09022015). Collection method: clinical testing. Allele origin: germline.
Comment: In summary, the available evidence is currently insufficient to determine the role of this variant in disease. Therefore, it has been classified as a Variant of Uncertain Significance. Experimental studies and prediction algorithms are not available or were not evaluated, and the functional significance of this variant is currently unknown. This variant has not been reported in the literature in individuals with CD3G-related conditions. This variant is not present in population databases (ExAC no frequency). This sequence change creates a premature translational stop signal (p.Ile123Thrfs*57) in the CD3G gene. While this is not anticipated to result in nonsense mediated decay, it is expected to disrupt the last 60 amino acid(s) of the CD3G protein.

NM_000073.3(CD3G):c.368del (p.Ile123fs)

Genes: CD3G (CD3 gamma subunit of T-cell receptor complex; plus strand), LOC126861358 (BRD4-independent group 4 enhancer GRCh37_chr11:118220212-118221411; plus strand). Cytogenetic location: 11q23.3.
Variant type: Deletion.
Coding change: c.368del on transcript NM_000073.3 (MANE Select); coding-DNA position 368, one base deleted (T; older notation c.368delT).
Protein change: p.Ile123fs; shifts the reading frame from isoleucine 123.
Molecular consequence: frameshift variant.
Genome position (GRCh38, 1-based): chr11:118,350,612, T deleted. VCF-style (leftmost placement, unchanged base first): chr11-118350611-AT-A. GRCh37 (hg19) VCF-style: chr11-118221326-AT-A.
Other names: short protein forms I123fs.
Identifiers: ClinVar variation 1354605 (VCV001354605.6), dbSNP rs2134070701, ClinGen allele CA2573146933.